The following is an entry in ClinVar:

ClinVar aggregate classification (germline): Likely benign (1 of 4 stars; one submission).

Conditions:
Neurodevelopmental disorder. Identifiers: MedGen C1535926, MeSH D065886, MONDO:0700092.

Submission:

Victorian Clinical Genetics Services, Murdoch Childrens Research Institute
Classification: Likely benign for Neurodevelopmental disorder. Last evaluated: 2022-02-02. Review status: criteria provided, single submitter. Criteria: ACMG Guidelines, 2015. Collection method: clinical testing. Allele origin: germline. Inheritance: Autosomal dominant inheritance. Affected: yes.
Comment: Based on the classification scheme VCGS_Germline_v1.3.4, this variant is classified as Likely benign. Following criteria are met: 0102 - Loss of function is a known mechanism of disease in this gene and is associated with NCKAP1-related neurodevelopmental disorder (PMID: 33157009). (I) 0107 - This gene is associated with autosomal dominant disease. (I) 0200 - Variant is predicted to result in a missense amino acid change from glycine to alanine. (I) 0251 - This variant is heterozygous. (I) 0301 - Variant is absent from gnomAD (both v2 and v3). (SP) 0502 - Missense variant with conflicting in silico predictions and uninformative conservation. (I) 0600 - Variant is located in the annotated Nckap1 domain (NCBI). (I) 0705 - No comparable missense variants have previous evidence for pathogenicity. (I) 0807 - This variant has no previous evidence of pathogenicity. (I) 0905 - No published segregation evidence has been identified for this variant. (I) 1007 - No published functional evidence has been identified for this variant. (I) Legend: (SP) - Supporting pathogenic, (I) - Information, (SB) - Supporting benign

Literature cited by the submitters: PubMed 33157009.

NM_013436.5(NCKAP1):c.1085G>C (p.Gly362Ala)

Gene: NCKAP1 (NCK associated protein 1; minus strand). Cytogenetic location: 2q32.1.
Variant type: single nucleotide variant.
Coding change: c.1085G>C on transcript NM_013436.5 (MANE Select); coding-DNA position 1085, G replaced by C.
Protein change: p.Gly362Ala; replaces glycine 362 with alanine.
Molecular consequence: missense variant.
Genome position (GRCh38, 1-based): chr2:182,983,302, C>G on the plus strand (G>C on the coding strand, the complement: NCKAP1 is on the minus strand). VCF-style: chr2-182983302-C-G. GRCh37 (hg19) VCF-style: chr2-183848030-C-G.
Other names: c.1103G>C, p.Gly368Ala (NM_205842.3); short protein forms G362A, G368A.
Identifiers: ClinVar variation 1805609 (VCV001805609.1), dbSNP rs2468644197, ClinGen allele CA349752635.